The following is an entry in ClinVar:

NM_015267.4(CUX2):c.4124C>T (p.Pro1375Leu)

Gene: CUX2 (cut like homeobox 2; plus strand). Cytogenetic location: 12q24.12.
Variant type: single nucleotide variant.
Coding change: c.4124C>T on transcript NM_015267.4 (MANE Select); coding-DNA position 4124, C replaced by T.
Protein change: p.Pro1375Leu; replaces proline 1375 with leucine.
Molecular consequence: missense variant.
Genome position (GRCh38, 1-based): chr12:111,347,988, C>T. VCF-style: chr12-111347988-C-T. GRCh37 (hg19) VCF-style: chr12-111785792-C-T.
Other names: c.3938C>T, p.Pro1313Leu (NM_001370598.1); short protein forms P1313L, P1375L.
Identifiers: ClinVar variation 2500017 (VCV002500017.1), dbSNP rs778605501, ClinGen allele CA6789295.
Genomic context (GRCh38, chr12:111,347,988, plus strand): 5'-CCCCAGACTGTCCCTCACTTCATCCCCAACAGGAGAGTGAGGCCGGGGAGCGACTTCACC[C>T]GGACCCTTTAAGTTTTAAGTCAGCCTCAGAGTCCTCACGCTGCAGCCTGGAGGTGTCACT-3'
Protein context (NP_056082.2, residues 1365-1385): QESEAGERLH[Pro1375Leu]DPLSFKSASE

ClinVar aggregate classification (germline): Uncertain significance (1 of 4 stars; one submission).

Conditions:
Developmental and epileptic encephalopathy, 67. Also called: EPILEPTIC ENCEPHALOPATHY, EARLY INFANTILE, 67. Identifiers: MedGen C4748341, MONDO:0029138, OMIM 618141.

Allele frequency attached by ClinVar (database versions not stated): gnomAD 0.00003; TOPMed 0.00004; gnomAD exomes 0.00005; ExAC 0.00012.
gnomAD v4.1: 72 of 1,613,986 alleles (0.0045%); highest among the groups gnomAD compares: Admixed American, 0.033%; 1 homozygote.

Submission:

Center for Genomics, Ann and Robert H. Lurie Children's Hospital of Chicago
Classification: Uncertain significance for Developmental and epileptic encephalopathy, 67. Last evaluated: 2022-12-05. Review status: criteria provided, single submitter. Criteria: ACMG Guidelines, 2015. Collection method: clinical testing. Allele origin: germline.
Comment: This variant has not been reported in the literature but is present in the Genome Aggregation Database (Highest reported MAF 0.006% [1/15274]). This variant amino acid Leucine (Leu) is present in several species including multiple mammals and is not well conserved among evolutionarily distant species; this suggests that this variant may not impact the protein. Additional computational prediction tools do not suggest an impact. In summary, data on this variant is insufficient for disease classification. Therefore, the clinical significance of this variant is uncertain.